The following is an entry in ClinVar:

NM_004208.4(AIFM1):c.258G>T (p.Lys86Asn)

Genes: AIFM1 (apoptosis inducing factor mitochondria associated 1; minus strand), RAB33A (RAB33A, member RAS oncogene family; plus strand). Cytogenetic location: Xq26.1.
Variant type: single nucleotide variant.
Coding change: c.258G>T on transcript NM_004208.4 (MANE Select); coding-DNA position 258, G replaced by T.
Protein change: p.Lys86Asn; replaces lysine 86 with asparagine.
Molecular consequence: missense variant. On other transcripts: non-coding transcript variant (1).
Genome position (GRCh38, 1-based): chrX:130,149,560, C>A on the plus strand (G>T on the coding strand, the complement: AIFM1 is on the minus strand). VCF-style: chrX-130149560-C-A. GRCh37 (hg19) VCF-style: chrX-129283535-C-A.
Other names: p.Lys86Asn; c.258G>T, p.Lys86Asn (NM_001130847.4); c.246G>T, p.Lys82Asn (NM_145812.3); short protein forms K86N, K82N.
Identifiers: ClinVar variation 2934504 (VCV002934504.4), dbSNP rs376209388, ClinGen allele CA10515480.

ClinVar aggregate classification (germline): Conflicting classifications of pathogenicity. Review status: criteria provided, conflicting classifications (1 of 4 stars). 2 submissions from 2 submitters: Uncertain significance (1); Likely benign (1). Last evaluated 2026-01-02.

Conditions:
Charcot-Marie-Tooth Neuropathy X. Identifiers: MedGen CN118851.
Combined oxidative phosphorylation deficiency. Identifiers: MedGen C4540031, MONDO:0000732.

Allele frequency attached by ClinVar (database versions not stated): ExAC 0.00001; gnomAD 0.00005; ESP Exome Variant Server 0.00019; TOPMed 0.00008.
gnomAD v4.1: 6 of 1,194,545 alleles (0.0005%); highest among the groups gnomAD compares: African/African-American, 0.011%; no homozygotes.

Submissions (2):

Labcorp Genetics (formerly Invitae), Labcorp
Classification: Likely benign for Charcot-Marie-Tooth Neuropathy X; Combined oxidative phosphorylation deficiency. Last evaluated: 2026-01-02. Review status: criteria provided, single submitter. Criteria: Invitae Variant Classification Sherloc (09022015). Collection method: clinical testing. Allele origin: germline.

Mayo Clinic Laboratories, Mayo Clinic
Classification: Uncertain significance. Last evaluated: 2025-08-13. Review status: criteria provided, single submitter. Criteria: ACMG Guidelines, 2015. Collection method: clinical testing. Allele origin: germline. Observed: 1 variant allele.
Comment: BP4_moderate